The following is an entry in ClinVar:

ClinVar aggregate classification (germline): Likely pathogenic (1 of 4 stars; one submission).

Conditions:
Hemochromatosis type 3 (HFE3). Also called: HEMOCHROMATOSIS DUE TO DEFECT IN TRANSFERRIN RECEPTOR 2; Hereditary hemochromatosis type 3; TFR2-Related Hemochromatosis. Identifiers: Orphanet 225123, MedGen C1858664, MONDO:0011417, OMIM 604250.

Submission:

Natera, Inc.
Classification: Likely pathogenic for Hereditary hemochromatosis type 3. Last evaluated: 2025-03-13. Review status: criteria provided, single submitter. Criteria: Natera Variant Classification Schema (03/2026). Collection method: clinical testing. Allele origin: germline.
Comment: The c.329_335del variant in TFR2 is a frameshift variant predicted to shift the reading frame beginning at codon 110 and leads to a stop codon 64 codons downstream. This variant is expected to result in nonsense mediated decay, truncation, or a dysfunctional protein product. This variant is rare in the general population with a frequency below the threshold expected for the associated phenotype(s). Given the available evidence, this variant is classified as Likely Pathogenic.

NM_003227.4(TFR2):c.329_335del (p.Ala110fs)

Gene: TFR2 (transferrin receptor 2; minus strand). Cytogenetic location: 7q22.1.
Variant type: Deletion.
Coding change: c.329_335del on transcript NM_003227.4 (MANE Select); coding-DNA positions 329 to 335, 7 bases deleted (CGTGCGG; older notation c.329_335delCGTGCGG).
Protein change: p.Ala110fs; shifts the reading frame from alanine 110.
Molecular consequence: frameshift variant.
Genome position (GRCh38, 1-based): chr7:100,640,824-100,640,830, CCGCACG deleted on the plus strand (CGTGCGG on the coding strand, the reverse complement: TFR2 is on the minus strand); deleting any 7 consecutive bases within chr7:100,640,824-100,640,832 gives the same sequence; the c. name uses the placement nearest the transcript's 3' end. VCF-style (leftmost placement, unchanged base first): chr7-100640823-TCCGCACG-T. GRCh37 (hg19) VCF-style: chr7-100238446-TCCGCACG-T.
Other names: short protein forms A110fs.
Identifiers: ClinVar variation 4062196 (VCV004062196.2).